The following is an entry in ClinVar:

NM_173560.4(RFX6):c.2038A>G (p.Thr680Ala)

Gene: RFX6 (regulatory factor X6; plus strand). Cytogenetic location: 6q22.1.
Variant type: single nucleotide variant.
Coding change: c.2038A>G on transcript NM_173560.4 (MANE Select); coding-DNA position 2038, A replaced by G.
Protein change: p.Thr680Ala; replaces threonine 680 with alanine.
Molecular consequence: missense variant.
Genome position (GRCh38, 1-based): chr6:116,927,179, A>G. VCF-style: chr6-116927179-A-G. GRCh37 (hg19) VCF-style: chr6-117248342-A-G.
Other names: short protein forms T680A.
Identifiers: ClinVar variation 1963091 (VCV001963091.4), dbSNP rs763869108, ClinGen allele CA3973464.

ClinVar aggregate classification (germline): Uncertain significance (1 of 4 stars; one submission).

Allele frequency attached by ClinVar (database versions not stated): ExAC 0.00001; TOPMed 0.00001.

Submission:

Labcorp Genetics (formerly Invitae), Labcorp
Classification: Uncertain significance. Last evaluated: 2025-01-06. Review status: criteria provided, single submitter. Criteria: Invitae Variant Classification Sherloc (09022015). Collection method: clinical testing. Allele origin: germline.
Comment: This sequence change replaces threonine, which is neutral and polar, with alanine, which is neutral and non-polar, at codon 680 of the RFX6 protein (p.Thr680Ala). This variant is not present in population databases (gnomAD no frequency). This variant has not been reported in the literature in individuals affected with RFX6-related conditions. ClinVar contains an entry for this variant (Variation ID: 1963091). Invitae Evidence Modeling of protein sequence and biophysical properties (such as structural, functional, and spatial information, amino acid conservation, physicochemical variation, residue mobility, and thermodynamic stability) indicates that this missense variant is not expected to disrupt RFX6 protein function with a negative predictive value of 80%. In summary, the available evidence is currently insufficient to determine the role of this variant in disease. Therefore, it has been classified as a Variant of Uncertain Significance.